The following is an entry in ClinVar:

ClinVar aggregate classification (germline): Uncertain significance (1 of 4 stars; one submission).

Submission:

GeneDx
Classification: Uncertain significance. Last evaluated: 2017-07-11. Review status: criteria provided, single submitter. Criteria: GeneDx Variant Classification (06012015). Collection method: clinical testing. Allele origin: germline. Affected: yes.
Comment: p.Asn379Lys (AAC>AAA): c.1137 C>A in exon 8 of the CNTNAP2 gene (NM_014141.5). The Asn379Lys variant has not been published as a mutation, nor has it been reported as a benign polymorphism to our knowledge. It was not observed in approximately 6,500 individuals of European and African American ancestry in the NHLBI Exome Sequencing Project, indicating it is not a common benign variant in these populations. The Asn379Lys variant is a semi-conservative amino acid substitution, which may impact secondary protein structure as these residues differ in some properties. This substitution occurs at a position that is conserved across species. However, in silico analysis is inconsistent in its predictions as to whether or not the variant is damaging to the protein structure/function. Therefore, based on the currently available information, it is unclear whether this variant is a pathogenic mutation or a rare benign variant.The variant is found in INFANT-EPI panel(s).

NM_014141.6(CNTNAP2):c.1137C>A (p.Asn379Lys)

Gene: CNTNAP2 (contactin associated protein 2; plus strand). Cytogenetic location: 7q35.
Variant type: single nucleotide variant.
Coding change: c.1137C>A on transcript NM_014141.6 (MANE Select); coding-DNA position 1137, C replaced by A.
Protein change: p.Asn379Lys; replaces asparagine 379 with lysine.
Molecular consequence: missense variant.
Genome position (GRCh38, 1-based): chr7:147,132,298, C>A. VCF-style: chr7-147132298-C-A. GRCh37 (hg19) VCF-style: chr7-146829390-C-A.
Other names: p.N379K:AAC>AAA; short protein forms N379K.
Identifiers: ClinVar variation 205232 (VCV000205232.2), dbSNP rs78543192, ClinGen allele CA314098.